The following is an entry in ClinVar:

ClinVar aggregate classification (germline): Pathogenic (1 of 4 stars; one submission).

Conditions:
Neurofibromatosis, type 1 (NF1). Also called: Neurofibromatosis, type I; NEUROFIBROMATOSIS, TYPE I, SOMATIC; Peripheral type neurofibromatosis; VON RECKLINGHAUSEN DISEASE. Identifiers: Orphanet 636, MedGen C0027831, MONDO:0018975, OMIM 162200. Disease mechanism: loss of function.

Submission:

Labcorp Genetics (formerly Invitae), Labcorp
Classification: Pathogenic for Neurofibromatosis, type 1. Last evaluated: 2016-10-15. Review status: criteria provided, single submitter. Criteria: Invitae Variant Classification Sherloc (09022015). Collection method: clinical testing. Allele origin: germline.
Comment: For these reasons, this variant has been classified as Pathogenic. While this particular variant has not been reported in the literature, loss-of-function variants in NF1 are known to be pathogenic (PMID: 10712197, 23913538). This sequence change inserts 1 nucleotide in exon 21 of the NF1 mRNA (c.2729dupG), causing a frameshift at codon 911. This creates a premature translational stop signal (p.Leu911Thrfs*8) and is expected to result in an absent or disrupted protein product.

Literature cited by the submitters: PubMed 10712197; PubMed 23913538.

NM_001042492.3(NF1):c.2729dup (p.Leu911fs)

Gene: NF1 (neurofibromin 1; plus strand). Cytogenetic location: 17q11.2.
Variant type: Duplication.
Coding change: c.2729dup on transcript NM_001042492.3 (MANE Select); coding-DNA position 2729, one base duplicated (G; older notation c.2729dupG).
Protein change: p.Leu911fs; shifts the reading frame from leucine 911.
Molecular consequence: frameshift variant.
Genome position (GRCh38, 1-based): chr17:31,229,344, G duplicated; the last of 3 consecutive G bases (chr17:31,229,342-31,229,344); duplicating any one gives the same sequence. VCF-style (leftmost placement, unchanged base first): chr17-31229341-T-TG. GRCh37 (hg19) VCF-style: chr17-29556359-T-TG.
Other names: c.2729dupG (NM_000267.3); c.2729dup, p.Leu911Thrfs (NM_000267.4); short protein forms L911fs.
Identifiers: ClinVar variation 404466 (VCV000404466.5), dbSNP rs1555614313, ClinGen allele CA16615187.